The following is an entry in ClinVar:

ClinVar aggregate classification (germline): Uncertain significance. Review status: criteria provided, multiple submitters, no conflicts (2 of 4 stars). 2 submissions from 2 submitters: Uncertain significance (2). Last evaluated 2025-07-22.

Conditions:
BDNF-related disorder. Also called: BDNF-related condition.

Allele frequency attached by ClinVar (database versions not stated): gnomAD exomes 0.00001.

Submissions (2):

PreventionGenetics, part of Exact Sciences
Classification: Uncertain significance for BDNF-related condition. Last evaluated: 2025-07-22. Review status: criteria provided, single submitter. Criteria: ACMG Guidelines, 2015. Collection method: clinical testing. Allele origin: germline.
Comment: The BDNF c.15_16delCA variant is predicted to result in a frameshift and premature protein termination (p.Ser6Phefs*4). To our knowledge, this variant has not been reported in the literature. This variant is reported in 0.0014% of alleles in individuals of European (Non-Finnish) descent in gnomAD. Multiple in-frame methionines (Met) occur downstream of this variant and upstream in alternate exons not affected by this change. If utilized, these may reinitiate translation or transcribe a protein from an alternate initiation site. At this time, the clinical significance of this variant is uncertain due to the absence of conclusive functional and genetic evidence.

GeneDx
Classification: Uncertain significance. Last evaluated: 2017-01-18. Review status: criteria provided, single submitter. Criteria: GeneDx Variant Classification (06012015). Collection method: clinical testing. Allele origin: germline. Affected: yes.
Comment: The c.15_16delCA variant in the BDNF gene has not been reported previously as a pathogenic variantnor as a benign variant, to our knowledge. The c.15_16delCA variant causes a frameshift starting withcodon Serine 6, changes this amino acid to a Phenylalanine residue, and creates a premature Stopcodon at position 4 of the new reading frame, denoted p.Ser6PhefsX4. This variant is predicted tocause loss of normal protein function either through protein truncation or nonsense-mediated mRNAdecay. The c.15_16delCA variant was not observed in approximately 5100 individuals of Europeanand African American ancestry in the NHLBI Exome Sequencing Project, indicating it is not acommon benign variant in these populations. We interpret c.15_16delCA as a variant of uncertainsignificance.

NM_001709.5(BDNF):c.-21-15685_-21-15684del

Genes: BDNF (brain derived neurotrophic factor; minus strand), BDNF-AS (BDNF antisense RNA; plus strand). Cytogenetic location: 11p14.1.
Variant type: Deletion.
Coding change: c.-21-15685_-21-15684del on transcript NM_001709.5 (MANE Select); 15685 bases into the intron before 21 bases upstream of the start codon through 15684 bases into the intron before 21 bases upstream of the start codon, 2 bases deleted (CA; older notation c.-21-15685_-21-15684delCA).
Molecular consequence: intron variant. On other transcripts: frameshift variant (1), 5 prime UTR variant (1).
Genome position (GRCh38, 1-based): chr11:27,674,269-27,674,270, TG deleted on the plus strand (CA on the coding strand, the reverse complement: BDNF is on the minus strand). VCF-style (leftmost placement, unchanged base first): chr11-27674268-CTG-C. GRCh37 (hg19) VCF-style: chr11-27695815-CTG-C.
Other names: c.15_16delCA (NM_001143810.1); c.15_16del, p.Ser6fs (NM_001143810.2); c.-349_-348del (NM_001143811.2); c.4-15685_4-15684del (NM_170731.5); c.-21-15685_-21-15684del (NM_001143805.1, NM_001143806.1, NM_170732.4 and 5 more transcripts); c.67-15685_67-15684del (NM_001143809.2); c.-128-15344_-128-15343del (NM_001143814.2); c.25-15685_25-15684del (NM_170734.4); short protein forms S6fs.
Identifiers: ClinVar variation 503514 (VCV000503514.2), dbSNP rs1287429853, ClinGen allele CA598391090.